The following is an entry in ClinVar:

NM_003072.5(SMARCA4):c.1217C>T (p.Ala406Val)

Gene: SMARCA4 (SWI/SNF related BAF chromatin remodeling complex subunit ATPase 4; plus strand). Cytogenetic location: 19p13.2.
Variant type: single nucleotide variant.
Coding change: c.1217C>T on transcript NM_003072.5 (MANE Select); coding-DNA position 1217, C replaced by T.
Protein change: p.Ala406Val; replaces alanine 406 with valine.
Molecular consequence: missense variant. On other transcripts: non-coding transcript variant (1).
Genome position (GRCh38, 1-based): chr19:10,989,415, C>T. VCF-style: chr19-10989415-C-T. GRCh37 (hg19) VCF-style: chr19-11100091-C-T.
Other names: c.1217C>T, p.Ala406Val (NM_001128844.3, NM_001128845.2, NM_001128846.2 and 6 more transcripts); short protein forms A406V.
Identifiers: ClinVar variation 2855433 (VCV002855433.3), dbSNP rs2145849502, ClinGen allele CA404059740.

ClinVar aggregate classification (germline): Uncertain significance (1 of 4 stars; one submission).

Conditions:
Rhabdoid tumor predisposition syndrome 2 (RTPS2). Identifiers: Orphanet 231108, Orphanet 69077, MedGen C2750074, MONDO:0013224, OMIM 613325.

Allele frequency attached by ClinVar (database versions not stated): gnomAD exomes below 0.00001.
gnomAD v4.1: 1 of 1,614,144 alleles (0.000062%); highest among the groups gnomAD compares: Non-Finnish European, 0.000085%; no homozygotes.

Submission:

Labcorp Genetics (formerly Invitae), Labcorp
Classification: Uncertain significance for Rhabdoid tumor predisposition syndrome 2. Last evaluated: 2023-04-12. Review status: criteria provided, single submitter. Criteria: Invitae Variant Classification Sherloc (09022015). Collection method: clinical testing. Allele origin: germline.
Comment: In summary, the available evidence is currently insufficient to determine the role of this variant in disease. Therefore, it has been classified as a Variant of Uncertain Significance. Advanced modeling of protein sequence and biophysical properties (such as structural, functional, and spatial information, amino acid conservation, physicochemical variation, residue mobility, and thermodynamic stability) has been performed at Invitae for this missense variant, however the output from this modeling did not meet the statistical confidence thresholds required to predict the impact of this variant on SMARCA4 protein function. This variant has not been reported in the literature in individuals affected with SMARCA4-related conditions. This variant is not present in population databases (gnomAD no frequency). This sequence change replaces alanine, which is neutral and non-polar, with valine, which is neutral and non-polar, at codon 406 of the SMARCA4 protein (p.Ala406Val).